The following is an entry in ClinVar:

NM_015629.4(PRPF31):c.1433A>G (p.Lys478Arg)

Gene: PRPF31 (pre-mRNA processing factor 31; plus strand). Cytogenetic location: 19q13.42.
Variant type: single nucleotide variant.
Coding change: c.1433A>G on transcript NM_015629.4 (MANE Select); coding-DNA position 1433, A replaced by G.
Protein change: p.Lys478Arg; replaces lysine 478 with arginine.
Molecular consequence: missense variant.
Genome position (GRCh38, 1-based): chr19:54,131,365, A>G. VCF-style: chr19-54131365-A-G. GRCh37 (hg19) VCF-style: chr19-54634796-A-G.
Other names: short protein forms K478R.
Identifiers: ClinVar variation 2038140 (VCV002038140.4), dbSNP rs2516223561, ClinGen allele CA407756850.
Genomic context (GRCh38, chr19:54,131,365, plus strand): 5'-AGGGCCTGGAGATTGTGAACCCACAGGCGGCAGAGAAGAAGGTGGCTGAGGCCAACCAGA[A>G]GTATTTCTCCAGCATGGCTGAGTTCCTCAAGGTCAAGGGCGAGAAGAGTGGCCTTATGTC-3'
Protein context (NP_056444.3, residues 468-488): AEKKVAEANQ[Lys478Arg]YFSSMAEFLK

ClinVar aggregate classification (germline): Uncertain significance (1 of 4 stars; one submission).

Submission:

Labcorp Genetics (formerly Invitae), Labcorp
Classification: Uncertain significance. Last evaluated: 2022-08-09. Review status: criteria provided, single submitter. Criteria: Invitae Variant Classification Sherloc (09022015). Collection method: clinical testing. Allele origin: germline.
Comment: This sequence change replaces lysine, which is basic and polar, with arginine, which is basic and polar, at codon 478 of the PRPF31 protein (p.Lys478Arg). This variant is not present in population databases (gnomAD no frequency). This variant has not been reported in the literature in individuals affected with PRPF31-related conditions. Algorithms developed to predict the effect of missense changes on protein structure and function (SIFT, PolyPhen-2, Align-GVGD) all suggest that this variant is likely to be tolerated. In summary, the available evidence is currently insufficient to determine the role of this variant in disease. Therefore, it has been classified as a Variant of Uncertain Significance.